The following is an entry in ClinVar:

ClinVar aggregate classification (germline): Uncertain significance (1 of 4 stars; one submission).

Conditions:
ALG12-congenital disorder of glycosylation (CDG1G). Also called: CDG Ig; Congenital disorder of glycosylation, type Ig; ALG12-CDG. Identifiers: Orphanet 79324, MedGen C2931001, MONDO:0011783, OMIM 607143.

Submission:

Labcorp Genetics (formerly Invitae), Labcorp
Classification: Uncertain significance for ALG12-congenital disorder of glycosylation. Last evaluated: 2021-04-23. Review status: criteria provided, single submitter. Criteria: Invitae Variant Classification Sherloc (09022015). Collection method: clinical testing. Allele origin: germline.
Comment: In summary, the available evidence is currently insufficient to determine the role of this variant in disease. Therefore, it has been classified as a Variant of Uncertain Significance. Algorithms developed to predict the effect of missense changes on protein structure and function (SIFT, PolyPhen-2, Align-GVGD) all suggest that this variant is likely to be disruptive, but these predictions have not been confirmed by published functional studies and their clinical significance is uncertain. This variant has not been reported in the literature in individuals with ALG12-related conditions. This variant is not present in population databases (ExAC no frequency). This sequence change replaces glutamic acid with lysine at codon 309 of the ALG12 protein (p.Glu309Lys). The glutamic acid residue is highly conserved and there is a small physicochemical difference between glutamic acid and lysine.

NM_024105.4(ALG12):c.925G>A (p.Glu309Lys)

Gene: ALG12 (ALG12 alpha-1,6-mannosyltransferase; minus strand). Cytogenetic location: 22q13.33.
Variant type: single nucleotide variant.
Coding change: c.925G>A on transcript NM_024105.4 (MANE Select); coding-DNA position 925, G replaced by A.
Protein change: p.Glu309Lys; replaces glutamic acid 309 with lysine.
Molecular consequence: missense variant.
Genome position (GRCh38, 1-based): chr22:49,907,788, C>T on the plus strand (G>A on the coding strand, the complement: ALG12 is on the minus strand). VCF-style: chr22-49907788-C-T. GRCh37 (hg19) VCF-style: chr22-50301436-C-T.
Other names: short protein forms E309K.
Identifiers: ClinVar variation 1423557 (VCV001423557.8), dbSNP rs2147584963, ClinGen allele CA412073617.